The following is an entry in ClinVar:

NC_000014.9:g.(?_65101546)_(65102544_?)del

Genes: MAX (MYC associated transcriptional regulator X; minus strand), LOC130055850 (ATAC-STARR-seq lymphoblastoid silent region 5847; plus strand). Cytogenetic location: 14q23.3.
Variant type: Deletion.
Identifiers: ClinVar variation 417325 (VCV000417325.1).

ClinVar aggregate classification (germline): Pathogenic (1 of 4 stars; one submission).

Conditions:
Hereditary pheochromocytoma and paraganglioma. Also called: Hereditary Paraganglioma-Pheochromocytoma Syndromes; Hereditary paragangliomas and pheochromocytomas; Hereditary pheochromocytoma-paraganglioma. Identifiers: Orphanet 29072, MedGen C4274332, MONDO:0017366.

Submission:

Labcorp Genetics (formerly Invitae), Labcorp
Classification: Pathogenic for Hereditary pheochromocytoma and paraganglioma. Last evaluated: 2016-05-04. Review status: criteria provided, single submitter. Criteria: Invitae Variant Classification Sherloc (09022015). Collection method: clinical testing. Allele origin: germline.
Comment: This variant is a gross deletion of the genomic region encompassing exons 1-2 of the MAX gene, which includes the initiator codon. The 5' end of this event is unknown as it extends beyond the assayed region for this gene and therefore may encompass additional genes. The 3' boundary is likely confined to intron 2 of the MAX gene. It is expected to result in an absent or disrupted protein product. While this particular deletion has not been reported in the literature, loss of function variants including gross deletions in MAX are known to be pathogenic (PMID: 21685915, 22452945, 26070438). For these reasons, this variant has been classified as Pathogenic.